The following is an entry in ClinVar:

ClinVar aggregate classification (germline): Uncertain significance (1 of 4 stars; one submission).

Allele frequency attached by ClinVar (database versions not stated): gnomAD exomes below 0.00001; ExAC 0.00001; gnomAD 0.00001; TOPMed 0.00001.

Submission:

Labcorp Genetics (formerly Invitae), Labcorp
Classification: Uncertain significance. Last evaluated: 2024-03-01. Review status: criteria provided, single submitter. Criteria: Invitae Variant Classification Sherloc (09022015). Collection method: clinical testing. Allele origin: germline.
Comment: This sequence change replaces leucine, which is neutral and non-polar, with arginine, which is basic and polar, at codon 1068 of the RIMS1 protein (p.Leu1068Arg). This variant is not present in population databases (gnomAD no frequency). This variant has not been reported in the literature in individuals affected with RIMS1-related conditions. ClinVar contains an entry for this variant (Variation ID: 956309). An algorithm developed to predict the effect of missense changes on protein structure and function (PolyPhen-2) suggests that this variant is likely to be disruptive. In summary, the available evidence is currently insufficient to determine the role of this variant in disease. Therefore, it has been classified as a Variant of Uncertain Significance.

NM_014989.7(RIMS1):c.3203T>G (p.Leu1068Arg)

Gene: RIMS1 (regulating synaptic membrane exocytosis 1; plus strand). Cytogenetic location: 6q13.
Variant type: single nucleotide variant.
Coding change: c.3203T>G on transcript NM_014989.7 (MANE Select); coding-DNA position 3203, T replaced by G.
Protein change: p.Leu1068Arg; replaces leucine 1068 with arginine.
Molecular consequence: missense variant. On other transcripts: intron variant (62).
Genome position (GRCh38, 1-based): chr6:72,265,398, T>G. VCF-style: chr6-72265398-T-G. GRCh37 (hg19) VCF-style: chr6-72975101-T-G.
Other names: c.1622T>G, p.Leu541Arg (NM_001350436.2); c.1470-562T>G (NM_001350428.2, NM_001350459.2, NM_001350424.2 and 1 more transcripts); c.1467-562T>G (NM_001350437.2, NM_001350430.2, NM_001350421.2 and 1 more transcripts); c.1616+346T>G (NM_001350458.2); c.1539-562T>G (NM_001350433.2, NM_001350446.2, NM_001350442.2 and 8 more transcripts); c.1538+4631T>G (NM_001350431.2); c.1476-562T>G (NM_001350457.2); c.1475+6287T>G (NM_001350460.2, NM_001350426.2, NM_001350429.2 and 1 more transcripts); and 14 more; short protein forms L541R, L1068R.
Identifiers: ClinVar variation 956309 (VCV000956309.9), dbSNP rs753857836, ClinGen allele CA3886176.